The following is an entry in ClinVar:

ClinVar aggregate classification (germline): Uncertain significance (1 of 4 stars; one submission).

Conditions:
Mendelian susceptibility to mycobacterial diseases due to complete IL12B deficiency. Also called: IL12B DEFICIENCY; Immunodeficiency 29. Identifiers: Orphanet 319558, MedGen C4013948, MONDO:0013954, OMIM 614890.

Allele frequency attached by ClinVar (database versions not stated): gnomAD exomes below 0.00001; TOPMed 0.00001.
gnomAD v4.1: 1 of 1,613,578 alleles (0.000062%); highest among the groups gnomAD compares: Admixed American, 0.0017%; no homozygotes.

Submission:

Labcorp Genetics (formerly Invitae), Labcorp
Classification: Uncertain significance for Mendelian susceptibility to mycobacterial diseases due to complete IL12B deficiency. Last evaluated: 2022-03-01. Review status: criteria provided, single submitter. Criteria: Invitae Variant Classification Sherloc (09022015). Collection method: clinical testing. Allele origin: germline.
Comment: In summary, the available evidence is currently insufficient to determine the role of this variant in disease. Therefore, it has been classified as a Variant of Uncertain Significance. Algorithms developed to predict the effect of missense changes on protein structure and function (SIFT, PolyPhen-2, Align-GVGD) all suggest that this variant is likely to be disruptive. This variant has not been reported in the literature in individuals affected with IL12B-related conditions. This variant is present in population databases (no rsID available, gnomAD 0.003%). This sequence change replaces tryptophan, which is neutral and slightly polar, with leucine, which is neutral and non-polar, at codon 322 of the IL12B protein (p.Trp322Leu).

NM_002187.3(IL12B):c.965G>T (p.Trp322Leu)

Gene: IL12B (interleukin 12B; minus strand). Cytogenetic location: 5q33.3.
Variant type: single nucleotide variant.
Coding change: c.965G>T on transcript NM_002187.3 (MANE Select); coding-DNA position 965, G replaced by T.
Protein change: p.Trp322Leu; replaces tryptophan 322 with leucine.
Molecular consequence: missense variant.
Genome position (GRCh38, 1-based): chr5:159,316,707, C>A on the plus strand (G>T on the coding strand, the complement: IL12B is on the minus strand). VCF-style: chr5-159316707-C-A. GRCh37 (hg19) VCF-style: chr5-158743715-C-A.
Other names: short protein forms W322L.
Identifiers: ClinVar variation 1936054 (VCV001936054.3), dbSNP rs934330712, ClinGen allele CA129823775.